The following is an entry in ClinVar:

NM_004360.5(CDH1):c.1889T>C (p.Leu630Pro)

Gene: CDH1 (cadherin 1; plus strand). Cytogenetic location: 16q22.1.
Variant type: single nucleotide variant.
Coding change: c.1889T>C on transcript NM_004360.5 (MANE Select); coding-DNA position 1889, T replaced by C.
Protein change: p.Leu630Pro; replaces leucine 630 with proline.
Molecular consequence: missense variant. On other transcripts: 5 prime UTR variant (1).
Genome position (GRCh38, 1-based): chr16:68,822,178, T>C. VCF-style: chr16-68822178-T-C. GRCh37 (hg19) VCF-style: chr16-68856081-T-C.
Other names: c.1889T>C (LRG_301t1); c.1706T>C, p.Leu569Pro (NM_001317184.2); c.341T>C, p.Leu114Pro (NM_001317185.2); c.-77T>C (NM_001317186.2); short protein forms L630P, L114P, L569P.
Identifiers: ClinVar variation 481680 (VCV000481680.5), dbSNP rs767116004, ClinGen allele CA396467146.

ClinVar aggregate classification (germline): Uncertain significance (1 of 4 stars; one submission).

Conditions:
Hereditary cancer-predisposing syndrome. Also called: Neoplastic Syndromes, Hereditary; Tumor predisposition; Hereditary Cancer Syndrome; Hereditary neoplastic syndrome. Identifiers: Orphanet 140162, MedGen C0027672, MeSH D009386, MONDO:0015356.

Submission:

Ambry Genetics
Classification: Uncertain significance for Hereditary cancer-predisposing syndrome. Last evaluated: 2016-01-21. Review status: criteria provided, single submitter. Criteria: Ambry Variant Classification Scheme 2023. Collection method: clinical testing. Allele origin: germline.
Comment: The p.L630P variant (also known as c.1889T>C), located in coding exon 12 of the CDH1 gene, results from a T to C substitution at nucleotide position 1889. The leucine at codon 630 is replaced by proline, an amino acid with similar properties. This variant was not reported in population based cohorts in the following databases: Database of Single Nucleotide Polymorphisms (dbSNP), NHLBI Exome Sequencing Project (ESP), and 1000 Genomes Project. In the ESP, this variant was not observed in 6498 samples (12996 alleles) with coverage at this position. To date, this alteration has been detected with an allele frequency of approximately 0.001% (greater than 175000 alleles tested) in our clinical cohort. This amino acid position is highly conserved in available vertebrate species. In addition, this alteration is predicted to be deleterious by in silico analysis. Since supporting evidence is limited at this time, the clinical significance of this alteration remains unclear.